The following is an entry in ClinVar:

ClinVar aggregate classification (germline): Likely benign. Review status: criteria provided, multiple submitters, no conflicts (2 of 4 stars). 2 submissions from 2 submitters: Likely benign (2). Last evaluated 2026-08-01.

Allele frequency attached by ClinVar (database versions not stated): ExAC 0.00006; gnomAD 0.00001; TOPMed 0.00002.
gnomAD v4.1: 24 of 1,613,994 alleles (0.0015%); highest among the groups gnomAD compares: Admixed American, 0.037%; no homozygotes.

Submissions (2):

CeGaT Center for Human Genetics Tuebingen
Classification: Likely benign. Last evaluated: 2026-08-01. Review status: criteria provided, single submitter. Criteria: CeGaT Center For Human Genetics Tuebingen Variant Classification Criteria Version 2. Collection method: clinical testing. Allele origin: germline. Affected: yes. Observed: 1 variant allele.
Comment: C1QBP: BP4, BP7

Labcorp Genetics (formerly Invitae), Labcorp
Classification: Likely benign. Last evaluated: 2024-09-28. Review status: criteria provided, single submitter. Criteria: Invitae Variant Classification Sherloc (09022015). Collection method: clinical testing. Allele origin: germline.

NM_001212.4(C1QBP):c.264T>C (p.Asp88=)

Gene: C1QBP (complement C1q binding protein; minus strand). Cytogenetic location: 17p13.2.
Variant type: single nucleotide variant.
Coding change: c.264T>C on transcript NM_001212.4 (MANE Select); coding-DNA position 264, T replaced by C.
Protein change: p.Asp88=; no amino-acid change (aspartic acid 88 retained).
Molecular consequence: synonymous variant.
Genome position (GRCh38, 1-based): chr17:5,438,242, A>G on the plus strand (T>C on the coding strand, the complement: C1QBP is on the minus strand). VCF-style: chr17-5438242-A-G. GRCh37 (hg19) VCF-style: chr17-5341562-A-G.
Identifiers: ClinVar variation 2063802 (VCV002063802.5), dbSNP rs748207889, ClinGen allele CA8325342.